The following is an entry in ClinVar:

NM_025137.4(SPG11):c.2570G>A (p.Trp857Ter)

Gene: SPG11 (SPG11 vesicle trafficking associated, spatacsin; minus strand). Cytogenetic location: 15q21.1.
Variant type: single nucleotide variant.
Coding change: c.2570G>A on transcript NM_025137.4 (MANE Select); coding-DNA position 2570, G replaced by A.
Protein change: p.Trp857Ter; replaces tryptophan 857 with a stop codon.
Molecular consequence: nonsense.
Genome position (GRCh38, 1-based): chr15:44,621,809, C>T on the plus strand (G>A on the coding strand, the complement: SPG11 is on the minus strand). VCF-style: chr15-44621809-C-T. GRCh37 (hg19) VCF-style: chr15-44914007-C-T.
Other names: c.2570G>A, p.Trp857Ter (NM_001160227.2); short protein forms W857*.
Identifiers: ClinVar variation 1344083 (VCV001344083.6), dbSNP rs2141027825, ClinGen allele CA392231501.

ClinVar aggregate classification (germline): Pathogenic/Likely pathogenic. Review status: criteria provided, multiple submitters, no conflicts (2 of 4 stars). 4 submissions from 4 submitters: Pathogenic (2); Likely pathogenic (2). Last evaluated 2025-11-18.

Conditions:
Hereditary spastic paraplegia 11. Also called: Spastic Paraplegia 11; Spastic paraplegia, mental retardation and thin corpus callosum; Nakamura Osame syndrome; Autosomal recessive hereditary spastic paraplegia, mental impairment, and thin corpus callosum; SPASTIC PARAPLEGIA, AUTOSOMAL RECESSIVE, COMPLICATED, WITH THIN CORPUS CALLOSUM; SPASTIC PARAPLEGIA, AUTOSOMAL RECESSIVE, WITH MENTAL IMPAIRMENT AND THIN CORPUS CALLOSUM. Identifiers: Orphanet 2822, MedGen C1858479, MONDO:0011445, OMIM 604360.
SPG11-related disorder. Also called: SPG11-related condition.
Autosomal recessive SPG11-related disorders.
Hereditary spastic paraplegia. Also called: Familial spastic paraparesis. Identifiers: Orphanet 685, MedGen C0037773, MONDO:0019064. Disease mechanism: loss of function.

Allele frequency attached by ClinVar (database versions not stated): gnomAD exomes below 0.00001.
gnomAD v4.1: 2 of 1,613,916 alleles (0.00012%); highest among the groups gnomAD compares: South Asian, 0.0022%; no homozygotes.

Submissions (4):

Variantyx, Inc.
Classification: Pathogenic for Autosomal recessive SPG11-related disorders. Last evaluated: 2025-11-18. Review status: criteria provided, single submitter. Criteria: Variantyx Assertion Criteria 2022. Collection method: clinical testing. Allele origin: germline. Inheritance: Autosomal recessive inheritance. Affected: no.
Comment: This is a nonsense variant in the SPG11 gene (OMIM: 610844). Pathogenic variants in this gene have been associated with autosomal recessive SPG11-related disorders. This variant introduces a premature termination codon in exon 14 out of 40 and is expected to result in loss of function, which is a known disease mechanism for SPG11 in these disorders(PMID: 38850078) (PVS1). This variant has been identified in the homozygous or compound heterozygous state in at least one individuals reported in the published literature (PMID: 38850078) (PM3) and the variant has a 0.0022% maximum allele frequency in non-founder control populations (PM2). Based on the current evidence, this variant is classified as pathogenic for autosomal recessive SPG11-related disorders.

3billion
Classification: Pathogenic for Hereditary spastic paraplegia 11. Last evaluated: 2023-08-23. Review status: criteria provided, single submitter. Criteria: ACMG Guidelines, 2015. Collection method: clinical testing. Allele origin: germline. Affected: yes.
Comment: The variant is not observed in the gnomAD v2.1.1 dataset. Predicted Consequence/Location: Stop-gained (nonsense): predicted to result in a loss or disruption of normal protein function through nonsense-mediated decay (NMD) or protein truncation. Multiple pathogenic variants are reported downstream of the variant. The variant has been reported to be associated with SPG11 related disorder (ClinVar ID: VCV001344083). Therefore, this variant is classified as Pathogenic according to the recommendation of ACMG/AMP guideline.

Blueprint Genetics
Classification: Likely pathogenic for SPG11-related disorders. Last evaluated: 2021-10-08. Review status: criteria provided, single submitter. Criteria: ACMG Guidelines, 2015. Collection method: clinical testing. Allele origin: germline. Affected: yes. Observed: 3 variant alleles.

Genome Diagnostics Laboratory, The Hospital for Sick Children
Classification: Likely pathogenic for Hereditary spastic paraplegia. Last evaluated: 2020-03-01. Review status: criteria provided, single submitter. Criteria: ACMG Guidelines, 2015. Collection method: clinical testing. Allele origin: germline. Affected: yes.

Literature cited by the submitters: PubMed 38850078 (cited by Variantyx, Inc.).